The following is an entry in ClinVar:

ClinVar aggregate classification (germline): Pathogenic. Review status: reviewed by expert panel (3 of 4 stars). 8 submissions from 8 submitters: Pathogenic (1). 7 of the submissions do not count toward it. Last evaluated 2022-04-11.

Conditions:
Monogenic diabetes. Identifiers: Orphanet 183625, MedGen C3888631, MONDO:0015967.
Maturity-onset diabetes of the young type 3. Also called: MODY type 3; MODY, type III. Identifiers: Orphanet 552, MedGen C1838100, MeSH C563933, MONDO:0010894, OMIM 600496. Disease mechanism: loss of function.
Maturity-onset diabetes of the young (MODY). Also called: Maturity onset diabetes mellitus in young. Identifiers: Orphanet 552, MedGen C0342276, MONDO:0018911, HP:0004904.
HNF1A-related disorder. Also called: HNF1A-related condition.

Allele frequency attached by ClinVar (database versions not stated): gnomAD exomes below 0.00001.

Submissions (8):

ClinGen Monogenic Diabetes Variant Curation Expert Panel
Classification: Pathogenic for Monogenic diabetes. Last evaluated: 2022-04-11. Review status: reviewed by expert panel. Criteria: ClinGen Diabetes ACMG Specifications v1 1. Collection method: curation. Allele origin: germline. Inheritance: Autosomal dominant inheritance.
Comment: The c.686G>A variant in the HNF1 homeobox A gene, HNF1A, causes an amino acid change of arginine to glutamine at codon 229 (p.(Arg229Gln)) of NM_000545.8. This variant is located within a conserved region of the DNA binding domain (codons 107-174 and 201-280) of HNF1A, which is defined as critical for the protein’s function by the ClinGen MDEP (PM1_Supporting) and is absent from gnomAD v2.1.1 (PM2_Supporting). Additionally, this variant is predicted to be deleterious by computational evidence, with a REVEL score of 0.953, which is greater than the MDEP VCEP threshold of 0.70 (PP3). This variant was identified in at two individuals with a clinical history highly specific for HNF1A-MODY (MODY probability calculator result >50%, negative genetic testing for HNF4A, and negative antibodies in both and positive C-peptide in one) (PP4_Moderate; PMID: 27913849). The c.686G>A variant was identified in 27 unrelated individuals with non- autoimmune and non-absolute/near-absolute insulin-deficient diabetes (PS4; PMIDs: 29927023, 28395978, 27913849, 9032114, 18513305, internal lab contributors). Functional studies demonstrated the p.Arg229Gln protein has transactivation below 40% of wildtype, indicating that this variant impacts protein function (PS3_Supporting; PMIDs: 12530534, 12574234). Lastly, this variant segregated with diabetes, with at least 17 informative meioses in at more than three families with MODY (PP1_Strong; PMID: 18513305; internal lab contributors). In summary, c.686G>A meets the criteria to be classified as pathogenic for monogenic diabetes. ACMG/AMP criteria applied, as specified by the ClinGen MDEP (specification version 1.1, approved 9/30/21): PS3_Supporting, PP1_strong, PS4, PM1_Supporting, PM2_Supporting, PP4_Moderate, PP3.

Women's Health and Genetics/Laboratory Corporation of America, LabCorp
Classification: Pathogenic for Maturity-onset diabetes of the young. Last evaluated: 2026-01-19. Review status: criteria provided, single submitter. Criteria: LabCorp Variant Classification Summary - May 2015. Collection method: clinical testing. Allele origin: germline. Not counted in ClinVar's aggregate classification.
Comment: Variant summary: HNF1A c.686G>A (p.Arg229Gln) results in a conservative amino acid change in the encoded protein sequence. Algorithms developed to predict the effect of missense changes on protein structure and function are either unavailable or do not agree on the potential impact of this missense change. The variant was absent in 251144 control chromosomes (gnomAD). c.686G>A has been observed in multiple individuals affected with Maturity Onset Diabetes Of The Young (Kaisaki_1997, Lindner_1999, Eide_2008). These data indicate that the variant is very likely to be associated with disease. A different variant affecting the same codon has been classified as likely pathogenic by our lab (c.686G>C, p.Arg229Pro), supporting the critical relevance of codon 229 to HNF1A protein function. At least one publication reports experimental evidence evaluating an impact on protein function and this variant affects HNF1A protein function (Bjorkhaug_2003). The following publications have been ascertained in the context of this evaluation (PMID: 10027594, 12574234, 9032114, 18513305). ClinVar contains an entry for this variant (Variation ID: 379904). Based on the evidence outlined above, the variant was classified as pathogenic.

Ambry Genetics
Classification: Pathogenic for Maturity-onset diabetes of the young. Last evaluated: 2025-06-18. Review status: criteria provided, single submitter. Criteria: Ambry Variant Classification Scheme 2023. Collection method: clinical testing. Allele origin: germline. Not counted in ClinVar's aggregate classification.
Comment: The p.R229Q pathogenic mutation (also known as c.686G>A), located in coding exon 3 of the HNF1A gene, results from a G to A substitution at nucleotide position 686. The arginine at codon 229 is replaced by glutamine, an amino acid with highly similar properties. This variant was identified in one or more individuals with features consistent with HNF1A-related maturity-onset diabetes of the young and segregated with disease in at least one family (Delvecchio M et al. Diabetes Care, 2014 Dec;37:e258-60; Irgens HU et al. Diabetologia, 2013 Jul;56:1512-9; Johansson BB et al. Diabetologia, 2017 04;60:625-635; Ambry internal data). In assays testing HNF1A function, this variant showed functionally abnormal results (Thomas H et al. Biol. Chem., 2002 Nov;383:1691-700). This amino acid position is highly conserved in available vertebrate species. In addition, this alteration is predicted to be deleterious by in silico analysis. This variant is considered to be rare based on population cohorts in the Genome Aggregation Database (gnomAD). Based on the supporting evidence, this variant is interpreted as a disease-causing mutation.

Labcorp Genetics (formerly Invitae), Labcorp
Classification: Pathogenic. Last evaluated: 2025-06-06. Review status: criteria provided, single submitter. Criteria: Invitae Variant Classification Sherloc (09022015). Collection method: clinical testing. Allele origin: germline. Not counted in ClinVar's aggregate classification.
Comment: This sequence change replaces arginine, which is basic and polar, with glutamine, which is neutral and polar, at codon 229 of the HNF1A protein (p.Arg229Gln). This variant is not present in population databases (gnomAD no frequency). This missense change has been observed in individuals with maturity-onset diabetes of the young (PMID: 9032114, 25414397, 31754975; internal data). Invitae Evidence Modeling of clinical and family history, age, sex, and reported ancestry of multiple individuals with this HNF1A variant has been performed. This variant is expected to be pathogenic with a positive predictive value of at least 99%. This is a validated machine learning model that incorporates the clinical features of 42,750 individuals referred to our laboratory for HNF1A testing. ClinVar contains an entry for this variant (Variation ID: 379904). Invitae Evidence Modeling of protein sequence and biophysical properties (such as structural, functional, and spatial information, amino acid conservation, physicochemical variation, residue mobility, and thermodynamic stability) has been performed for this missense variant. However, the output from this modeling did not meet the statistical confidence thresholds required to predict the impact of this variant on HNF1A protein function. Experimental studies have shown that this missense change affects HNF1A function (PMID: 12530534). For these reasons, this variant has been classified as Pathogenic.

GeneDx
Classification: Pathogenic. Last evaluated: 2024-04-17. Review status: criteria provided, single submitter. Criteria: GeneDx Variant Classification Process June 2021. Collection method: clinical testing. Allele origin: germline. Affected: yes. Not counted in ClinVar's aggregate classification.
Comment: Published functional studies demonstrate the variant damages normal HNF1A function (PMID: 12530534, 18513305); Not observed in large population cohorts (gnomAD); In silico analysis, which includes protein predictors and evolutionary conservation, supports a deleterious effect; This variant is associated with the following publications: (PMID: 9032114, 12453420, 18003757, 35327967, 12530534, 36208030, 31658956, 34789499, 36257325, 36227502, 36504295, 23624530, 27913849, 31754975, 37798422, 25414397, 18513305)

Geisinger Clinic, Geisinger Health System
Classification: Pathogenic for Maturity-onset diabetes of the young type 3. Last evaluated: 2022-08-02. Review status: criteria provided, single submitter. Criteria: ACMG Guidelines, 2015. Collection method: research. Allele origin: germline. Inheritance: Autosomal dominant inheritance. Affected: yes. Observed: 2 variant alleles. Not counted in ClinVar's aggregate classification.
Comment: PS3_Supporting, PP1_Strong, PS4, PM1_Supporting, PM2, PP4_Moderate, PP3

Juno Genomics, Hangzhou Juno Genomics, Inc
Classification: Pathogenic for Maturity-onset diabetes of the young type 3. Review status: criteria provided, single submitter. Criteria: ACMG Guidelines, 2015. Collection method: clinical testing. Allele origin: germline. Affected: yes. Not counted in ClinVar's aggregate classification.
Comment: Absent from controls (or at extremely low frequency if recessive) in Genome Aggregation Database, Exome Sequencing Project, 1000 Genomes Project, or Exome Aggregation Consortium.;Novel missense change at an amino acid residue where a different missense change determined to be pathogenic has been seen before.;Multiple lines of computational evidence support a deleterious effect on the gene or gene product (conservation, evolutionary, splicing impact, etc).;The prevalence of the variant in affected individuals is significantly increased compared to the prevalence in controls.;Co-segregation with disease in multiple affected family members in a gene definitively known to cause the disease.

PreventionGenetics, part of Exact Sciences
Classification: Pathogenic for HNF1A-related condition. Last evaluated: 2024-06-19. Review status: no assertion criteria provided. Collection method: clinical testing. Allele origin: germline. Not counted in ClinVar's aggregate classification.
Comment: The HNF1A c.686G>A variant is predicted to result in the amino acid substitution p.Arg229Gln. This variant has been reported in multiple individuals with maturity-onset diabetes of the young (MODY) (Kaisaki et al. 1997. PubMed ID: 9032114; Eide et al. 2008. PubMed ID: 18513305: Irgens et al. 2013. PubMed ID: 23624530; Delvecchio et al. 2014. PubMed ID: 25414397; Li et al. 2019. PubMed ID: 31658956; Fu et al. 2019. PubMed ID: 31754975). In vitro functional studies demonstrate that expression of this variant results in decreased transactivation potential, impaired DNA binding ability (Thomas et al. 2002. PubMed ID: 12530534) and subcellular mislocalization (Bjørkhaug et al. 2003. PubMed ID: 12574234). This variant has not been reported in a large population database, indicating this variant is rare. This variant has been interpreted as pathogenic by the ClinGen monogenic diabetes variant curation expert panel (VCEP). Additionally, different missense changes impacting the same amino acid (p.Arg229Pro and p.Arg229Gly) have also been reported in individuals with MODY (Ellard et al. 2000. PubMed ID: 11058894; Colclough et al. 2013. PubMed ID: 23348805). Taken together the c.686G>A (p.Arg229Gln) variant is interpreted as pathogenic.

Literature cited by the submitters: PubMed 10027594 (cited by Women's Health and Genetics/Laboratory Corporation of America, LabCorp); PubMed 12574234 (cited by Women's Health and Genetics/Laboratory Corporation of America, LabCorp); PubMed 9032114 (cited by 3 submitters); PubMed 18513305 (cited by Women's Health and Genetics/Laboratory Corporation of America, LabCorp and Ambry Genetics); PubMed 12530534 (cited by Ambry Genetics and Labcorp Genetics (formerly Invitae), Labcorp); PubMed 23624530 (cited by Ambry Genetics); PubMed 25414397 (cited by Ambry Genetics and Labcorp Genetics (formerly Invitae), Labcorp); PubMed 27913849 (cited by Ambry Genetics); PubMed 31754975 (cited by Labcorp Genetics (formerly Invitae), Labcorp); PubMed 36257325 (cited by Geisinger Clinic, Geisinger Health System).

NM_000545.8(HNF1A):c.686G>A (p.Arg229Gln)

Gene: HNF1A (HNF1 homeobox A; plus strand). Cytogenetic location: 12q24.31.
Variant type: single nucleotide variant.
Coding change: c.686G>A on transcript NM_000545.8 (MANE Select); coding-DNA position 686, G replaced by A.
Protein change: p.Arg229Gln; replaces arginine 229 with glutamine.
Molecular consequence: missense variant.
Genome position (GRCh38, 1-based): chr12:120,993,679, G>A. VCF-style: chr12-120993679-G-A. GRCh37 (hg19) VCF-style: chr12-121431482-G-A.
Other names: NM_000545.8(HNF1A):c.686G>A; p.Arg229Gln; c.686G>A, p.Arg229Gln (NM_001306179.2); short protein forms R229Q.
Identifiers: ClinVar variation 379904 (VCV000379904.27), dbSNP rs1057520779, ClinGen allele CA16606085.